The following is an entry in ClinVar:

NM_000038.6(APC):c.4888G>A (p.Val1630Ile)

Gene: APC (APC regulator of Wnt signaling pathway; plus strand). Cytogenetic location: 5q22.2.
Variant type: single nucleotide variant.
Coding change: c.4888G>A on transcript NM_000038.6 (MANE Select); coding-DNA position 4888, G replaced by A.
Protein change: p.Val1630Ile; replaces valine 1630 with isoleucine.
Molecular consequence: missense variant.
Genome position (GRCh38, 1-based): chr5:112,840,482, G>A. VCF-style: chr5-112840482-G-A. GRCh37 (hg19) VCF-style: chr5-112176179-G-A.
Other names: c.4888G>A, p.Val1630Ile (NM_001127510.3, NM_001354895.2); c.4834G>A, p.Val1612Ile (NM_001127511.3); c.4942G>A, p.Val1648Ile (NM_001354896.2); c.4918G>A, p.Val1640Ile (NM_001354897.2); c.4813G>A, p.Val1605Ile (NM_001354898.2); c.4804G>A, p.Val1602Ile (NM_001354899.2); c.4765G>A, p.Val1589Ile (NM_001354900.2); c.4711G>A, p.Val1571Ile (NM_001354901.2); and 5 more; short protein forms V1612I, V1630I, V1529I, V1571I, V1470I, V1504I, V1589I, V1602I.
Identifiers: ClinVar variation 570472 (VCV000570472.10), dbSNP rs1479359302, ClinGen allele CA16032043.

ClinVar aggregate classification (germline): Uncertain significance (1 of 4 stars; one submission).

Conditions:
Familial adenomatous polyposis 1 (FAP1). Also called: POLYPOSIS, ADENOMATOUS INTESTINAL; FAMILIAL ADENOMATOUS POLYPOSIS 1, ATTENUATED. Identifiers: MedGen C2713442, MONDO:0021056, OMIM 175100. Disease mechanism: loss of function.

Allele frequency attached by ClinVar (database versions not stated): gnomAD exomes below 0.00001.
gnomAD v4.1: 2 of 1,614,160 alleles (0.00012%); highest among the groups gnomAD compares: East Asian, 0.0022%; no homozygotes.

Submission:

Labcorp Genetics (formerly Invitae), Labcorp
Classification: Uncertain significance for Familial adenomatous polyposis 1. Last evaluated: 2018-02-17. Review status: criteria provided, single submitter. Criteria: Invitae Variant Classification Sherloc (09022015). Collection method: clinical testing. Allele origin: germline.
Comment: This sequence change replaces valine with isoleucine at codon 1630 of the APC protein (p.Val1630Ile). The valine residue is highly conserved and there is a small physicochemical difference between valine and isoleucine. This variant is not present in population databases (ExAC no frequency). This variant has not been reported in the literature in individuals with APC-related disease. Algorithms developed to predict the effect of missense changes on protein structure and function do not agree on the potential impact of this missense change (SIFT: "Deleterious"; PolyPhen-2: "Probably Damaging"; Align-GVGD: "Class C0"). In summary, the available evidence is currently insufficient to determine the role of this variant in disease. Therefore, it has been classified as a Variant of Uncertain Significance.